The following is an entry in ClinVar:

NM_025132.4(WDR19):c.1260dup (p.Leu421fs)

Gene: WDR19 (WD repeat domain 19; plus strand). Cytogenetic location: 4p14.
Variant type: Duplication.
Coding change: c.1260dup on transcript NM_025132.4 (MANE Select); coding-DNA position 1260, one base duplicated (A; older notation c.1260dupA).
Protein change: p.Leu421fs; shifts the reading frame from leucine 421.
Molecular consequence: frameshift variant.
Genome position (GRCh38, 1-based): chr4:39,217,144, A duplicated; the last of 6 consecutive A bases (chr4:39,217,139-39,217,144); duplicating any one gives the same sequence. VCF-style (leftmost placement, unchanged base first): chr4-39217138-G-GA. GRCh37 (hg19) VCF-style: chr4-39218758-G-GA.
Other names: c.780dup, p.Leu261fs (NM_001317924.2); short protein forms L261fs, L421fs.
Identifiers: ClinVar variation 3757525 (VCV003757525.2).

ClinVar aggregate classification (germline): Pathogenic (1 of 4 stars; one submission).

Conditions:
Asphyxiating thoracic dystrophy 5 (SRTD5). Also called: SHORT-RIB THORACIC DYSPLASIA 5 WITH OR WITHOUT POLYDACTYLY; SHORT-RIB THORACIC DYSPLASIA 5 WITHOUT POLYDACTYLY. Identifiers: Orphanet 474, MedGen C3280598, MONDO:0013717, OMIM 614376.
Senior-Loken syndrome 8 (SLSN8). Identifiers: Orphanet 3156, MedGen C4225376, MONDO:0014579, OMIM 616307.

Submission:

Labcorp Genetics (formerly Invitae), Labcorp
Classification: Pathogenic for Senior-Loken syndrome 8; Asphyxiating thoracic dystrophy 5. Last evaluated: 2024-08-04. Review status: criteria provided, single submitter. Criteria: Invitae Variant Classification Sherloc (09022015). Collection method: clinical testing. Allele origin: germline.
Comment: This sequence change creates a premature translational stop signal (p.Leu421Ilefs*18) in the WDR19 gene. It is expected to result in an absent or disrupted protein product. Loss-of-function variants in WDR19 are known to be pathogenic (PMID: 22019273, 23559409, 23683095, 26275793, 27241786, 29068549). This variant is present in population databases (no rsID available, gnomAD 0.007%). This variant has not been reported in the literature in individuals affected with WDR19-related conditions. For these reasons, this variant has been classified as Pathogenic.

Literature cited by the submitters: PubMed 22019273; PubMed 23559409; PubMed 23683095; PubMed 26275793; PubMed 27241786; PubMed 29068549.